The following is an entry in ClinVar:

NM_000326.5(RLBP1):c.227C>T (p.Ser76Leu)

Gene: RLBP1 (retinaldehyde binding protein 1; minus strand). Cytogenetic location: 15q26.1.
Variant type: single nucleotide variant.
Coding change: c.227C>T on transcript NM_000326.5 (MANE Select); coding-DNA position 227, C replaced by T.
Protein change: p.Ser76Leu; replaces serine 76 with leucine.
Molecular consequence: missense variant.
Genome position (GRCh38, 1-based): chr15:89,217,239, G>A on the plus strand (C>T on the coding strand, the complement: RLBP1 is on the minus strand). VCF-style: chr15-89217239-G-A. GRCh37 (hg19) VCF-style: chr15-89760470-G-A.
Other names: short protein forms S76L.
Identifiers: ClinVar variation 852732 (VCV000852732.7), dbSNP rs149742128, ClinGen allele CA7722352.

ClinVar aggregate classification (germline): Conflicting classifications of pathogenicity. Review status: criteria provided, conflicting classifications (1 of 4 stars). 3 submissions from 3 submitters: Uncertain significance (2); Likely benign (1). Last evaluated 2026-06-30.

Conditions:
RLBP1-related disorder. Also called: RLBP1-related disorders; RLBP1-related condition. Identifiers: MedGen CN239413.

Allele frequency attached by ClinVar (database versions not stated): gnomAD 0.00020; TOPMed 0.00022; ESP Exome Variant Server 0.00038; 1000 Genomes Project 0.00040; 1000 Genomes Project 30x 0.00047.

Submissions (3):

PreventionGenetics, part of Exact Sciences
Classification: Uncertain significance for RLBP1-related condition. Last evaluated: 2026-06-30. Review status: criteria provided, single submitter. Criteria: ACMG Guidelines, 2015. Collection method: clinical testing. Allele origin: germline.
Comment: The RLBP1 c.227C>T variant is predicted to result in the amino acid substitution p.Ser76Leu. To our knowledge, this variant has not been reported in the literature. This variant is present in 0.040% of alleles in individuals of European (Non-Finnish) descent in gnomAD. At this time, the clinical significance of this variant is uncertain due to the absence of conclusive functional and genetic evidence.

Blueprint Genetics
Classification: Likely benign. Last evaluated: 2024-10-31. Review status: criteria provided, single submitter. Criteria: ACMG Guidelines, 2015. Collection method: clinical testing. Allele origin: germline.

Labcorp Genetics (formerly Invitae), Labcorp
Classification: Uncertain significance. Last evaluated: 2022-07-25. Review status: criteria provided, single submitter. Criteria: Invitae Variant Classification Sherloc (09022015). Collection method: clinical testing. Allele origin: germline.
Comment: This sequence change replaces serine, which is neutral and polar, with leucine, which is neutral and non-polar, at codon 76 of the RLBP1 protein (p.Ser76Leu). This variant is present in population databases (rs149742128, gnomAD 0.04%). This variant has not been reported in the literature in individuals affected with RLBP1-related conditions. ClinVar contains an entry for this variant (Variation ID: 852732). Algorithms developed to predict the effect of missense changes on protein structure and function (SIFT, PolyPhen-2, Align-GVGD) all suggest that this variant is likely to be tolerated. In summary, the available evidence is currently insufficient to determine the role of this variant in disease. Therefore, it has been classified as a Variant of Uncertain Significance.